The following is an entry in ClinVar:

ClinVar aggregate classification (germline): Uncertain significance (1 of 4 stars; one submission).

Submission:

GeneDx
Classification: Uncertain significance. Last evaluated: 2024-08-12. Review status: criteria provided, single submitter. Criteria: GeneDx Variant Classification Process June 2021. Collection method: clinical testing. Allele origin: germline. Affected: yes.
Comment: Frameshift variant predicted to result in protein truncation or nonsense mediated decay in a gene or region of a gene for which loss of function is not a well-established mechanism of disease; Has not been previously published as pathogenic or benign to our knowledge; Not observed at significant frequency in large population cohorts (gnomAD)

NM_001394062.1(MACF1):c.19767dup (p.Ala6590fs)

Gene: MACF1 (microtubule actin crosslinking factor 1; plus strand). Cytogenetic location: 1p34.3.
Variant type: Duplication.
Coding change: c.19767dup on transcript NM_001394062.1 (MANE Select); coding-DNA position 19767, one base duplicated (T; older notation c.19767dupT).
Protein change: p.Ala6590fs; shifts the reading frame from alanine 6590.
Molecular consequence: frameshift variant.
Genome position (GRCh38, 1-based): chr1:39,447,697, T duplicated; the last of 5 consecutive T bases (chr1:39,447,693-39,447,697); duplicating any one gives the same sequence. VCF-style (leftmost placement, unchanged base first): chr1-39447692-G-GT. GRCh37 (hg19) VCF-style: chr1-39913364-G-GT.
Other names: c.7845dup, p.Ala2616fs (NM_001397473.1); c.13590dup, p.Ala4531fs (NM_012090.5); short protein forms A4531fs, A2616fs, A6590fs.
Identifiers: ClinVar variation 3731016 (VCV003731016.1).
Genomic context (GRCh38, chr1:39,447,692, plus strand): 5'-TTGAAAGAAATGCCCCTTTATCTTATCTTAAGCTAAAAAAGAGCACTATTGTTCCCTCAG[G>GT]TTTTTGCTAATGAAGTAAATGCTCATCGAGACCAGATCATTGAGCTGGATCAAACTGGGA-3'